The following is an entry in ClinVar:

ClinVar aggregate classification (germline): Uncertain significance (1 of 4 stars; one submission).

Conditions:
Dilated cardiomyopathy 1J (CMD1J). Also called: CARDIOMYOPATHY, DILATED, WITH SENSORINEURAL HEARING LOSS, AUTOSOMAL DOMINANT. Identifiers: Orphanet 217622, MedGen C1854368, MONDO:0011541, OMIM 605362.

Allele frequency attached by ClinVar (database versions not stated): gnomAD exomes 0.00001 and 0.00002; ExAC 0.00002.
gnomAD v4.1: 8 of 1,612,398 alleles (0.0005%); highest among the groups gnomAD compares: Middle Eastern, 0.033%; no homozygotes.

Submission:

Labcorp Genetics (formerly Invitae), Labcorp
Classification: Uncertain significance for Dilated cardiomyopathy 1J. Last evaluated: 2023-06-23. Review status: criteria provided, single submitter. Criteria: Invitae Variant Classification Sherloc (09022015). Collection method: clinical testing. Allele origin: germline.
Comment: In summary, the available evidence is currently insufficient to determine the role of this variant in disease. Therefore, it has been classified as a Variant of Uncertain Significance. Advanced modeling of protein sequence and biophysical properties (such as structural, functional, and spatial information, amino acid conservation, physicochemical variation, residue mobility, and thermodynamic stability) performed at Invitae indicates that this missense variant is not expected to disrupt EYA4 protein function. ClinVar contains an entry for this variant (Variation ID: 970957). This variant has not been reported in the literature in individuals affected with EYA4-related conditions. This variant is present in population databases (rs773216143, gnomAD 0.01%). This sequence change replaces glycine, which is neutral and non-polar, with aspartic acid, which is acidic and polar, at codon 566 of the EYA4 protein (p.Gly566Asp).

NM_004100.5(EYA4):c.1697G>A (p.Gly566Asp)

Genes: TARID (TCF21 antisense RNA inducing promoter demethylation; minus strand), EYA4 (EYA transcriptional coactivator and phosphatase 4; plus strand). Cytogenetic location: 6q23.2.
Variant type: single nucleotide variant.
Coding change: c.1697G>A on transcript NM_004100.5 (MANE Select); coding-DNA position 1697, G replaced by A.
Protein change: p.Gly566Asp; replaces glycine 566 with aspartic acid.
Molecular consequence: missense variant.
Genome position (GRCh38, 1-based): chr6:133,523,136, G>A. VCF-style: chr6-133523136-G-A. GRCh37 (hg19) VCF-style: chr6-133844274-G-A.
Other names: c.1535G>A, p.Gly512Asp (NM_001301012.2); c.1715G>A, p.Gly572Asp (NM_001301013.2); c.1628G>A, p.Gly543Asp (NM_001370458.1, NM_172103.4); c.1553G>A, p.Gly518Asp (NM_001370459.1); c.1697G>A, p.Gly566Asp (NM_172105.4); short protein forms G518D, G566D, G572D, G512D, G543D.
Identifiers: ClinVar variation 970957 (VCV000970957.9), dbSNP rs773216143, ClinGen allele CA4008431.